The following is an entry in ClinVar:

ClinVar aggregate classification (germline): Uncertain significance (1 of 4 stars; one submission).

Conditions:
Inborn genetic diseases. Identifiers: MedGen C0950123, MeSH D030342.

Submission:

Ambry Genetics
Classification: Uncertain significance for Inborn genetic diseases. Last evaluated: 2025-03-18. Review status: criteria provided, single submitter. Criteria: Ambry Variant Classification Scheme 2023. Collection method: clinical testing. Allele origin: germline.
Comment: The p.K707R variant (also known as c.2120A>G), located in coding exon 1 of the SAMD9 gene, results from an A to G substitution at nucleotide position 2120. The lysine at codon 707 is replaced by arginine, an amino acid with highly similar properties. This amino acid position is conserved. In addition, this alteration is predicted to be tolerated by in silico analysis. Based on the available evidence, the clinical significance of this variant remains unclear.

NM_017654.4(SAMD9):c.2120A>G (p.Lys707Arg)

Gene: SAMD9 (sterile alpha motif domain containing 9; minus strand). Cytogenetic location: 7q21.2.
Variant type: single nucleotide variant.
Coding change: c.2120A>G on transcript NM_017654.4 (MANE Select); coding-DNA position 2120, A replaced by G.
Protein change: p.Lys707Arg; replaces lysine 707 with arginine.
Molecular consequence: missense variant.
Genome position (GRCh38, 1-based): chr7:93,103,978, T>C on the plus strand (A>G on the coding strand, the complement: SAMD9 is on the minus strand). VCF-style: chr7-93103978-T-C. GRCh37 (hg19) VCF-style: chr7-92733291-T-C.
Other names: c.2120A>G, p.Lys707Arg (NM_001193307.2); short protein forms K707R.
Identifiers: ClinVar variation 3949454 (VCV003949454.1).
Genomic context (GRCh38, chr7:93,103,978, plus strand): 5'-GGTTTAGAAGAATCTGCACAGTTTTGAATCATTGCTTCAAGTCTTTCATATTTATCCCTT[T>C]TGACAAAAGGTGAAGAATAACTTTCAGAAGAGAAGTAGAAGTTCCACCATGACACTTTGC-3'
Protein context (NP_060124.2, residues 697-717): SSESYSSPFV[Lys707Arg]RDKYERLEAM